The following is an entry in ClinVar:

NM_000821.7(GGCX):c.890-1G>A

Gene: GGCX (gamma-glutamyl carboxylase; minus strand). Cytogenetic location: 2p11.2.
Variant type: single nucleotide variant.
Coding change: c.890-1G>A on transcript NM_000821.7 (MANE Select); the canonical splice acceptor site of the intron before coding-DNA position 890, G replaced by A.
Molecular consequence: splice acceptor variant.
Genome position (GRCh38, 1-based): chr2:85,553,498, C>T on the plus strand (G>A on the coding strand, the complement: GGCX is on the minus strand). VCF-style: chr2-85553498-C-T. GRCh37 (hg19) VCF-style: chr2-85780621-C-T.
Other names: c.719-1G>A (NM_001142269.4).
Identifiers: ClinVar variation 4808522 (VCV004808522.1).

ClinVar aggregate classification (germline): Likely pathogenic (1 of 4 stars; one submission).

gnomAD v4.1: 4 of 1,613,478 alleles (0.00025%); highest among the groups gnomAD compares: Non-Finnish European, 0.00025%; no homozygotes.

Submission:

Labcorp Genetics (formerly Invitae), Labcorp
Classification: Likely pathogenic. Last evaluated: 2025-12-03. Review status: criteria provided, single submitter. Criteria: Invitae Variant Classification Sherloc (09022015). Collection method: clinical testing. Allele origin: germline.
Comment: This sequence change affects an acceptor splice site in intron 7 of the GGCX gene. It is expected to disrupt RNA splicing. Variants that disrupt the donor or acceptor splice site typically lead to a loss of protein function (PMID: 16199547), and loss-of-function variants in GGCX are known to be pathogenic (PMID: 17110937, 17327402, 24520408). This variant is present in population databases (no rsID available, gnomAD 0.004%). This variant has not been reported in the literature in individuals affected with GGCX-related conditions. Algorithms developed to predict the effect of sequence changes on RNA splicing suggest that this variant may disrupt the consensus splice site. In summary, the currently available evidence indicates that the variant is pathogenic, but additional data are needed to prove that conclusively. Therefore, this variant has been classified as Likely Pathogenic.

Literature cited by the submitters: PubMed 16199547; PubMed 17110937; PubMed 17327402; PubMed 24520408.